The following is an entry in ClinVar:

NM_000517.6(HBA2):c.2T>G (p.Met1Arg)

Genes: HBA2 (hemoglobin subunit alpha 2; plus strand), LOC106804612 (hemoglobin subunit alpha 2 recombination region; plus strand). Cytogenetic location: 16p13.3.
Variant type: single nucleotide variant.
Coding change: c.2T>G on transcript NM_000517.6 (MANE Select); coding-DNA position 2, T replaced by G.
Protein change: p.Met1Arg; changes the start codon (methionine 1).
Molecular consequence: missense variant, initiator codon variant.
Genome position (GRCh38, 1-based): chr16:172,914, T>G. VCF-style: chr16-172914-T-G. GRCh37 (hg19) VCF-style: chr16-222913-T-G.
Other names: c.2T>G (NM_000517.5); c.2T>G, p.Met1Arg (NM_000558.5); short protein forms M1R.
Identifiers: ClinVar variation 3075919 (VCV003075919.2), dbSNP rs111033603, ClinGen allele CA393992817.
Genomic context (GRCh38, chr16:172,914, plus strand): 5'-CCTGGCGCGCTCGCGGGCCGGCACTCTTCTGGTCCCCACAGACTCAGAGAGAACCCACCA[T>G]GGTGCTGTCTCCTGCCGACAAGACCAACGTCAAGGCCGCCTGGGGTAAGGTCGGCGCGCA-3'
Protein context (NP_000508.1, residues 1-11): [Met1Arg]VLSPADKTNV

ClinVar aggregate classification (germline): Pathogenic/Likely pathogenic. Review status: criteria provided, multiple submitters, no conflicts (2 of 4 stars). 2 submissions from 2 submitters: Pathogenic (1); Likely pathogenic (1). Last evaluated 2025-05-05.

Conditions:
alpha Thalassemia. Also called: Alpha thalassemia spectrum. Identifiers: Orphanet 846, MedGen C0002312, MONDO:0011399, OMIM 604131.

Submissions (2):

Natera, Inc.
Classification: Pathogenic for Alpha thalassemia. Last evaluated: 2025-05-05. Review status: criteria provided, single submitter. Criteria: Natera Variant Classification Schema (03/2026). Collection method: clinical testing. Allele origin: germline.
Comment: The c.2T>G variant in HBA2 is predicted to result in start loss due to disruption of the initiator methionine. This variant is expected to result in nonsense mediated decay, truncation, or a dysfunctional protein product. This variant is rare in the general population with a frequency below the threshold expected for the associated phenotype(s). This variant has been observed in one or more individuals affected with the associated recessive disease, as either homozygous or compound heterozygous with a second variant (PMID: 23590659). Given the available evidence, this variant is classified as Pathogenic.

Laboratory for Molecular Medicine, Mass General Brigham Personalized Medicine
Classification: Likely pathogenic for alpha Thalassemia. Last evaluated: 2023-02-02. Review status: criteria provided, single submitter. Criteria: ACMG Guidelines, 2015. Collection method: clinical testing. Allele origin: germline.
Comment: The p.Met1? (c.2T>G) in HBA2 has been previously reported in 1 individual with alpha thalessemia (Hadavi 2007 PMID 17606454). It was absent in large population studies. This variant affects the translation initiation start codon (ATG) and is therefore predicted to disrupt translation although a variety of outcomes (no protein synthesis or the activation of an upstream translation initiation codon) are possible. Other Met1? variants (c.1A>G, c.2T>C) have been reported in individuals with alpha thalessemia, and are classified as pathogenic by ClinVar submitters. In summary, although additional studies are required to fully establish its clinical significance, this variant meets criteria to be classified as likely pathogenic for autosomal recessive alpha thalessemia. ACMG/AMP Criteria applied: PVS1_Moderate, PM5, PM2_Supporting, PP4. (This variant did not meet the variant calling quality criteria, and was included because it has been previously reported as a clinically significant variant.)

Literature cited by the submitters: PubMed 23590659 (cited by Natera, Inc.).